The following is an entry in ClinVar:

NM_001199397.3(NEK1):c.1385A>T (p.Glu462Val)

Gene: NEK1 (NIMA related kinase 1; minus strand). Cytogenetic location: 4q33.
Variant type: single nucleotide variant.
Coding change: c.1385A>T on transcript NM_001199397.3 (MANE Select); coding-DNA position 1385, A replaced by T.
Protein change: p.Glu462Val; replaces glutamic acid 462 with valine.
Molecular consequence: missense variant. On other transcripts: non-coding transcript variant (1).
Genome position (GRCh38, 1-based): chr4:169,555,977, T>A on the plus strand (A>T on the coding strand, the complement: NEK1 is on the minus strand). VCF-style: chr4-169555977-T-A. GRCh37 (hg19) VCF-style: chr4-170477128-T-A.
Other names: c.1385A>T, p.Glu462Val (NM_001199398.3, NM_001199400.3, NM_001374418.1 and 2 more transcripts); c.1310A>T, p.Glu437Val (NM_001199399.3); c.1334A>T, p.Glu445Val (NM_001374420.1); c.1259A>T, p.Glu420Val (NM_001374421.1); short protein forms E420V, E437V, E445V, E462V.
Identifiers: ClinVar variation 2655180 (VCV002655180.24), dbSNP rs1375568077, ClinGen allele CA358733934.

ClinVar aggregate classification (germline): Likely benign (1 of 4 stars; one submission).

Submission:

CeGaT Center for Human Genetics Tuebingen
Classification: Likely benign. Last evaluated: 2022-09-01. Review status: criteria provided, single submitter. Criteria: CeGaT Center For Human Genetics Tuebingen Variant Classification Criteria Version 2. Collection method: clinical testing. Allele origin: germline. Affected: yes. Observed: 1 variant allele.
Comment: NEK1: BP4